The following is an entry in ClinVar:

ClinVar aggregate classification (germline): Uncertain significance (1 of 4 stars; one submission).

Submission:

Labcorp Genetics (formerly Invitae), Labcorp
Classification: Uncertain significance. Last evaluated: 2024-04-22. Review status: criteria provided, single submitter. Criteria: Invitae Variant Classification Sherloc (09022015). Collection method: clinical testing. Allele origin: germline.
Comment: This sequence change replaces glutamine, which is neutral and polar, with histidine, which is basic and polar, at codon 2254 of the POLE protein (p.Gln2254His). This variant is not present in population databases (gnomAD no frequency). This variant has not been reported in the literature in individuals affected with POLE-related conditions. ClinVar contains an entry for this variant (Variation ID: 665571). Advanced modeling of protein sequence and biophysical properties (such as structural, functional, and spatial information, amino acid conservation, physicochemical variation, residue mobility, and thermodynamic stability) performed at Invitae indicates that this missense variant is not expected to disrupt POLE protein function with a negative predictive value of 80%. In summary, the available evidence is currently insufficient to determine the role of this variant in disease. Therefore, it has been classified as a Variant of Uncertain Significance.

NM_006231.4(POLE):c.6762G>T (p.Gln2254His)

Gene: POLE (DNA polymerase epsilon, catalytic subunit; minus strand). Cytogenetic location: 12q24.33.
Variant type: single nucleotide variant.
Coding change: c.6762G>T on transcript NM_006231.4 (MANE Select); coding-DNA position 6762, G replaced by T.
Protein change: p.Gln2254His; replaces glutamine 2254 with histidine.
Molecular consequence: missense variant.
Genome position (GRCh38, 1-based): chr12:132,624,796, C>A on the plus strand (G>T on the coding strand, the complement: POLE is on the minus strand). VCF-style: chr12-132624796-C-A. GRCh37 (hg19) VCF-style: chr12-133201382-C-A.
Other names: short protein forms Q2254H.
Identifiers: ClinVar variation 665571 (VCV000665571.6), dbSNP rs1593693607, ClinGen allele CA387365878.